The following is an entry in ClinVar:

ClinVar aggregate classification (germline): Uncertain significance (1 of 4 stars; one submission).

Conditions:
Hereditary cancer-predisposing syndrome. Also called: Neoplastic Syndromes, Hereditary; Tumor predisposition; Hereditary neoplastic syndrome; Hereditary Cancer Syndrome. Identifiers: Orphanet 140162, MedGen C0027672, MeSH D009386, MONDO:0015356.

Submission:

Ambry Genetics
Classification: Uncertain significance for Hereditary cancer-predisposing syndrome. Last evaluated: 2026-06-20. Review status: criteria provided, single submitter. Criteria: Ambry Variant Classification Scheme 2023. Collection method: clinical testing. Allele origin: germline.
Comment: The p.N351I variant (also known as c.1052A>T), located in coding exon 9 of the MITF gene, results from an A to T substitution at nucleotide position 1052. The asparagine at codon 351 is replaced by isoleucine, an amino acid with dissimilar properties. This amino acid position is conserved. In addition, this alteration is predicted to be tolerated by in silico analysis. Based on the available evidence, the clinical significance of this variant remains unclear.

NM_001354604.2(MITF):c.1373A>T (p.Asn458Ile)

Gene: MITF (melanocyte inducing transcription factor; plus strand). Cytogenetic location: 3p13.
Variant type: single nucleotide variant.
Coding change: c.1373A>T on transcript NM_001354604.2 (MANE Select); coding-DNA position 1373, A replaced by T.
Protein change: p.Asn458Ile; replaces asparagine 458 with isoleucine.
Molecular consequence: missense variant.
Genome position (GRCh38, 1-based): chr3:69,965,040, A>T. VCF-style: chr3-69965040-A-T. GRCh37 (hg19) VCF-style: chr3-70014191-A-T.
Other names: c.866A>T, p.Asn289Ile (NM_198178.3); c.1370A>T, p.Asn457Ile (NM_001354605.2); c.1352A>T, p.Asn451Ile (NM_001354606.2, NM_006722.3); c.1304A>T, p.Asn435Ile (NM_001354607.2); c.1199A>T, p.Asn400Ile (NM_001354608.2, NM_001184967.2); c.1034A>T, p.Asn345Ile (NM_198158.3); c.1355A>T, p.Asn452Ile (NM_198159.3); c.1307A>T, p.Asn436Ile (NM_198177.3); and 1 more; short protein forms N400I, N436I, N452I, N289I, N451I, N345I, N435I, N458I.
Identifiers: ClinVar variation 5024470 (VCV005024470.1).
Genomic context (GRCh38, chr3:69,965,040, plus strand): 5'-ATCATGCAGACCTAACCTGTACAACAACTCTCGATCTCACGGATGGCACCATCACCTTCA[A>T]CAACAACCTCGGAACTGGGACTGAGGCCAACCAAGCCTATAGTGTCCCCACAAAAATGGG-3'
Protein context (NP_001341533.1, residues 448-468): LDLTDGTITF[Asn458Ile]NNLGTGTEAN